The following is an entry in ClinVar:

NM_022821.4(ELOVL1):c.716A>G (p.Tyr239Cys)

Gene: ELOVL1 (ELOVL fatty acid elongase 1; minus strand). Cytogenetic location: 1p34.2.
Variant type: single nucleotide variant.
Coding change: c.716A>G on transcript NM_022821.4 (MANE Select); coding-DNA position 716, A replaced by G.
Protein change: p.Tyr239Cys; replaces tyrosine 239 with cysteine.
Molecular consequence: missense variant. On other transcripts: non-coding transcript variant (1).
Genome position (GRCh38, 1-based): chr1:43,364,040, T>C on the plus strand (A>G on the coding strand, the complement: ELOVL1 is on the minus strand). VCF-style: chr1-43364040-T-C. GRCh37 (hg19) VCF-style: chr1-43829711-T-C.
Other names: c.716A>G, p.Tyr239Cys (NM_001256399.2); c.635A>G, p.Tyr212Cys (NM_001256401.2); c.473A>G, p.Tyr158Cys (NM_001256402.2); short protein forms Y158C, Y212C, Y239C.
Identifiers: ClinVar variation 4741143 (VCV004741143.1).

ClinVar aggregate classification (germline): Uncertain significance (1 of 4 stars; one submission).

Submission:

Labcorp Genetics (formerly Invitae), Labcorp
Classification: Uncertain significance. Last evaluated: 2025-07-20. Review status: criteria provided, single submitter. Criteria: Invitae Variant Classification Sherloc (09022015). Collection method: clinical testing. Allele origin: germline.
Comment: This sequence change replaces tyrosine, which is neutral and polar, with cysteine, which is neutral and slightly polar, at codon 239 of the ELOVL1 protein (p.Tyr239Cys). This variant is not present in population databases (gnomAD no frequency). This variant has not been reported in the literature in individuals affected with ELOVL1-related conditions. Invitae Evidence Modeling of protein sequence and biophysical properties (such as structural, functional, and spatial information, amino acid conservation, physicochemical variation, residue mobility, and thermodynamic stability) indicates that this missense variant is expected to disrupt ELOVL1 protein function with a positive predictive value of 80%. In summary, the available evidence is currently insufficient to determine the role of this variant in disease. Therefore, it has been classified as a Variant of Uncertain Significance.